The following is an entry in ClinVar:

NM_001849.4(COL6A2):c.1609-163G>A

Gene: COL6A2 (collagen type VI alpha 2 chain; plus strand). Cytogenetic location: 21q22.3.
Variant type: single nucleotide variant.
Coding change: c.1609-163G>A on transcript NM_001849.4 (MANE Select); 163 bases into the intron before coding-DNA position 1609, G replaced by A.
Molecular consequence: intron variant.
Genome position (GRCh38, 1-based): chr21:46,122,712, G>A. VCF-style: chr21-46122712-G-A. GRCh37 (hg19) VCF-style: chr21-47542626-G-A.
Other names: c.1609-163G>A (NM_058175.3, NM_058174.3).
Identifiers: ClinVar variation 681679 (VCV000681679.2), dbSNP rs80117819, ClinGen allele CA16595205.

ClinVar aggregate classification (germline): Benign. Review status: criteria provided, multiple submitters, no conflicts (2 of 4 stars). 2 submissions from 2 submitters: Benign (2). Last evaluated 2018-06-14.

Allele frequency attached by ClinVar (database versions not stated): TOPMed 0.04336; 1000 Genomes Project 0.04413; gnomAD 0.04494 and 0.04515; 1000 Genomes Project 30x 0.04528.
gnomAD v4.1: 6,176 of 137,374 alleles (4.5%); highest among the groups gnomAD compares: Admixed American, 6.1%; 121 homozygotes.

Submissions (2):

GeneDx
Classification: Benign. Last evaluated: 2018-06-14. Review status: criteria provided, single submitter. Criteria: GeneDx Variant Classification (06012015). Collection method: clinical testing. Allele origin: germline. Affected: yes.
Comment: This variant is considered likely benign or benign based on one or more of the following criteria: it is a conservative change, it occurs at a poorly conserved position in the protein, it is predicted to be benign by multiple in silico algorithms, and/or has population frequency not consistent with disease.

Breakthrough Genomics
Classification: Benign. Review status: criteria provided, single submitter. Criteria: ACMG Guidelines, 2015. Collection method: not provided. Allele origin: germline. Inheritance: Autosomal recessive inheritance. Affected: yes.